The following is an entry in ClinVar:

ClinVar aggregate classification (germline): Uncertain significance (1 of 4 stars; one submission).

Conditions:
Epidermodysplasia verruciformis. Identifiers: Orphanet 302, MedGen C0014522, MONDO:0009176.

Allele frequency attached by ClinVar (database versions not stated): gnomAD exomes below 0.00001; TOPMed below 0.00001.
gnomAD v4.1: 2 of 1,605,136 alleles (0.00012%); highest among the groups gnomAD compares: Non-Finnish European, 0.00017%; no homozygotes.

Submission:

Labcorp Genetics (formerly Invitae), Labcorp
Classification: Uncertain significance for Epidermodysplasia verruciformis. Last evaluated: 2019-03-21. Review status: criteria provided, single submitter. Criteria: Invitae Variant Classification Sherloc (09022015). Collection method: clinical testing. Allele origin: germline.
Comment: This sequence change replaces leucine with proline at codon 428 of the TMC6 protein (p.Leu428Pro). The leucine residue is highly conserved and there is a moderate physicochemical difference between leucine and proline. This variant is not present in population databases (ExAC no frequency). This variant has not been reported in the literature in individuals with TMC6-related conditions. Algorithms developed to predict the effect of missense changes on protein structure and function (SIFT, PolyPhen-2, Align-GVGD) all suggest that this variant is likely to be disruptive, but these predictions have not been confirmed by published functional studies and their clinical significance is uncertain. In summary, the available evidence is currently insufficient to determine the role of this variant in disease. Therefore, it has been classified as a Variant of Uncertain Significance.

NM_001127198.5(TMC6):c.1283T>C (p.Leu428Pro)

Gene: TMC6 (transmembrane channel like 6; minus strand). Cytogenetic location: 17q25.3.
Variant type: single nucleotide variant.
Coding change: c.1283T>C on transcript NM_001127198.5 (MANE Select); coding-DNA position 1283, T replaced by C.
Protein change: p.Leu428Pro; replaces leucine 428 with proline.
Molecular consequence: missense variant.
Genome position (GRCh38, 1-based): chr17:78,121,656, A>G on the plus strand (T>C on the coding strand, the complement: TMC6 is on the minus strand). VCF-style: chr17-78121656-A-G. GRCh37 (hg19) VCF-style: chr17-76117737-A-G.
Other names: c.1283T>C, p.Leu428Pro (NM_001321185.1, NM_001374593.1, NM_001374594.1 and 4 more transcripts); short protein forms L428P.
Identifiers: ClinVar variation 858043 (VCV000858043.1), dbSNP rs1037757019, ClinGen allele CA294351382.